The following is an entry in ClinVar:

ClinVar aggregate classification (germline): Uncertain significance (1 of 4 stars; one submission).

Submission:

Labcorp Genetics (formerly Invitae), Labcorp
Classification: Uncertain significance. Last evaluated: 2022-10-09. Review status: criteria provided, single submitter. Criteria: Invitae Variant Classification Sherloc (09022015). Collection method: clinical testing. Allele origin: germline.
Comment: In summary, the available evidence is currently insufficient to determine the role of this variant in disease. Therefore, it has been classified as a Variant of Uncertain Significance. Algorithms developed to predict the effect of missense changes on protein structure and function (SIFT, PolyPhen-2, Align-GVGD) all suggest that this variant is likely to be disruptive. This variant has not been reported in the literature in individuals affected with CLCN6-related conditions. This variant is not present in population databases (gnomAD no frequency). This sequence change replaces glycine, which is neutral and non-polar, with arginine, which is basic and polar, at codon 532 of the CLCN6 protein (p.Gly532Arg).

NM_001286.5(CLCN6):c.1594G>C (p.Gly532Arg)

Gene: CLCN6 (chloride voltage-gated channel 6; plus strand). Cytogenetic location: 1p36.22.
Variant type: single nucleotide variant.
Coding change: c.1594G>C on transcript NM_001286.5 (MANE Select); coding-DNA position 1594, G replaced by C.
Protein change: p.Gly532Arg; replaces glycine 532 with arginine.
Molecular consequence: missense variant. On other transcripts: non-coding transcript variant (1).
Genome position (GRCh38, 1-based): chr1:11,834,303, G>C. VCF-style: chr1-11834303-G-C. GRCh37 (hg19) VCF-style: chr1-11894360-G-C.
Other names: c.1528G>C, p.Gly510Arg (NM_001256959.2); short protein forms G532R, G510R.
Identifiers: ClinVar variation 2122471 (VCV002122471.4), dbSNP rs140748453, ClinGen allele CA338435817.
Genomic context (GRCh38, chr1:11,834,303, plus strand): 5'-GGATTGGGCCACATCTATTCGGGGACCTTTGCCCTGATTGGTGCAGCGGCTTTCTTGGGC[G>C]GGGTGGTCCGCATGACCATCAGCCTCACGGTCATCCTGATCGAGTCCACCAATGAGATCA-3'
Protein context (NP_001277.2, residues 522-542): ALIGAAAFLG[Gly532Arg]VVRMTISLTV